The following is an entry in ClinVar:

ClinVar aggregate classification (germline): Likely pathogenic (1 of 4 stars; one submission).

Conditions:
Hereditary cancer-predisposing syndrome. Also called: Tumor predisposition; Neoplastic Syndromes, Hereditary; Hereditary Cancer Syndrome; Hereditary neoplastic syndrome. Identifiers: Orphanet 140162, MedGen C0027672, MeSH D009386, MONDO:0015356.

Submission:

Ambry Genetics
Classification: Likely pathogenic for Hereditary cancer-predisposing syndrome. Last evaluated: 2022-08-24. Review status: criteria provided, single submitter. Criteria: Ambry Variant Classification Scheme 2023. Collection method: clinical testing. Allele origin: germline.
Comment: The c.3168+3G>C intronic variant results from a G to C substitution 3 nucleotides after coding exon 18 in the PTCH1 gene. This alteration has been observed in at least one individual with a personal and/or family history that is consistent with PTCH1-related disease (Ambry internal data). This nucleotide position is well conserved in available vertebrate species. In silico splice site analysis predicts that this alteration will weaken the native splice donor site. RNA studies have demonstrated that this alteration results in abnormal splicing in the set of samples tested (Ambry internal data). Based on the majority of available evidence to date, this variant is likely to be pathogenic.

NM_000264.5(PTCH1):c.3168+3G>C

Gene: PTCH1 (patched 1; minus strand). Cytogenetic location: 9q22.32.
Variant type: single nucleotide variant.
Coding change: c.3168+3G>C on transcript NM_000264.5 (MANE Select); 3 bases into the intron after coding-DNA position 3168, G replaced by C.
Molecular consequence: intron variant.
Genome position (GRCh38, 1-based): chr9:95,458,010, C>G on the plus strand (G>C on the coding strand, the complement: PTCH1 is on the minus strand). VCF-style: chr9-95458010-C-G. GRCh37 (hg19) VCF-style: chr9-98220292-C-G.
Other names: c.3165+3G>C (NM_001083603.3); c.2970+3G>C (NM_001083602.3); c.3012+3G>C (NM_001354918.2); c.2715+3G>C (NM_001083605.3, NM_001083604.3, NM_001083606.3 and 1 more transcripts).
Identifiers: ClinVar variation 1728381 (VCV001728381.2), dbSNP rs2538066579, ClinGen allele CA2580080710.
Genomic context (GRCh38, chr9:95,458,010, plus strand): 5'-GCTGCAGAAAGAGCTATGCTGAAAGGAATTTGACTTCCACAAAGCCCCTTATAATACACT[C>G]ACAATGATCCCGGCCGTCCAGGGGTTCAGAAGGAAGACAGCGCACACGAGGAATGTGCAG-3'